The following is an entry in ClinVar:

NM_031443.4(CCM2):c.1278G>A (p.Ser426=)

Gene: CCM2 (CCM2 scaffold protein; plus strand). Cytogenetic location: 7p13.
Variant type: single nucleotide variant.
Coding change: c.1278G>A on transcript NM_031443.4 (MANE Select); coding-DNA position 1278, G replaced by A.
Protein change: p.Ser426=; no amino-acid change (serine 426 retained).
Molecular consequence: synonymous variant. On other transcripts: non-coding transcript variant (1).
Genome position (GRCh38, 1-based): chr7:45,076,000, G>A. VCF-style: chr7-45076000-G-A. GRCh37 (hg19) VCF-style: chr7-45115599-G-A.
Other names: c.1278G>A (NM_031443.3); c.1341G>A, p.Ser447= (NM_001029835.2); c.1104G>A, p.Ser368= (NM_001167934.2); c.1005G>A, p.Ser335= (NM_001167935.2); c.1401G>A, p.Ser467= (NM_001363458.2); c.1227G>A, p.Ser409= (NM_001363459.2).
Identifiers: ClinVar variation 1639717 (VCV001639717.9), dbSNP rs371498958, ClinGen allele CA4247304.

ClinVar aggregate classification (germline): Likely benign. Review status: criteria provided, multiple submitters, no conflicts (2 of 4 stars). 2 submissions from 2 submitters: Likely benign (2). Last evaluated 2026-07-01.

Conditions:
CCM2-related disorder. Also called: CCM2-related condition.
Cerebral cavernous malformation 2. Also called: Familial Cerebral Cavernous Malformation 2. Identifiers: Orphanet 221061, MedGen C1864041, MONDO:0011304, OMIM 603284.

Allele frequency attached by ClinVar (database versions not stated): ESP Exome Variant Server 0.00008.
gnomAD v4.1: 13 of 1,612,976 alleles (0.00081%); highest among the groups gnomAD compares: African/African-American, 0.0027%; no homozygotes.

Submissions (2):

PreventionGenetics, part of Exact Sciences
Classification: Likely benign for CCM2-related condition. Last evaluated: 2026-07-01. Review status: criteria provided, single submitter. Criteria: ACMG Guidelines, 2015. Collection method: clinical testing. Allele origin: germline.
Comment: This variant is classified as likely benign based on ACMG/AMP sequence variant interpretation guidelines (Richards et al. 2015 PMID: 25741868, with internal and published modifications).

Labcorp Genetics (formerly Invitae), Labcorp
Classification: Likely benign for Cerebral cavernous malformation 2. Last evaluated: 2023-11-18. Review status: criteria provided, single submitter. Criteria: Invitae Variant Classification Sherloc (09022015). Collection method: clinical testing. Allele origin: germline.